The following is an entry in ClinVar:

NM_004733.4(SLC33A1):c.169G>C (p.Gly57Arg)

Gene: SLC33A1 (solute carrier family 33 member 1; minus strand). Cytogenetic location: 3q25.31.
Variant type: single nucleotide variant.
Coding change: c.169G>C on transcript NM_004733.4 (MANE Select); coding-DNA position 169, G replaced by C.
Protein change: p.Gly57Arg; replaces glycine 57 with arginine.
Molecular consequence: missense variant.
Genome position (GRCh38, 1-based): chr3:155,853,829, C>G on the plus strand (G>C on the coding strand, the complement: SLC33A1 is on the minus strand). VCF-style: chr3-155853829-C-G. GRCh37 (hg19) VCF-style: chr3-155571618-C-G.
Other names: c.169G>C, p.Gly57Arg (NM_001190992.2, NM_001363883.1); short protein forms G57R.
Identifiers: ClinVar variation 343882 (VCV000343882.19), dbSNP rs150651158, ClinGen allele CA2677445.

ClinVar aggregate classification (germline): Benign/Likely benign. Review status: criteria provided, multiple submitters, no conflicts (2 of 4 stars). 6 submissions from 6 submitters: Benign (1); Likely benign (4). 1 of the submissions does not count toward it. Last evaluated 2026-01-26.

Conditions:
Spastic paraplegia. Identifiers: MedGen C0037772, HP:0001258.
SLC33A1-related disorder. Also called: SLC33A1-related condition.

Allele frequency attached by ClinVar (database versions not stated): ESP Exome Variant Server 0.00200; gnomAD 0.00213; TOPMed 0.00213; 1000 Genomes Project 30x 0.00250; 1000 Genomes Project 0.00319.
gnomAD v4.1: 558 of 1,608,838 alleles (0.035%); highest among the groups gnomAD compares: African/African-American, 0.66%; no homozygotes.

Submissions (6):

Labcorp Genetics (formerly Invitae), Labcorp
Classification: Likely benign for Spastic paraplegia. Last evaluated: 2026-01-26. Review status: criteria provided, single submitter. Criteria: Invitae Variant Classification Sherloc (09022015). Collection method: clinical testing. Allele origin: germline.

Athena Diagnostics
Classification: Benign. Last evaluated: 2025-01-02. Review status: criteria provided, single submitter. Criteria: Athena Diagnostics Criteria. Collection method: clinical testing. Allele origin: unknown.
Comment: The frequency of this variant in the general population is higher than would generally be expected for pathogenic variants in this gene.

Blueprint Genetics
Classification: Likely benign. Last evaluated: 2024-10-23. Review status: criteria provided, single submitter. Criteria: ACMG Guidelines, 2015. Collection method: clinical testing. Allele origin: germline.

GeneDx
Classification: Likely benign. Last evaluated: 2020-11-13. Review status: criteria provided, single submitter. Criteria: GeneDx Variant Classification Process June 2021. Collection method: clinical testing. Allele origin: germline. Affected: yes.

Breakthrough Genomics
Classification: Likely benign. Review status: criteria provided, single submitter. Criteria: ACMG Guidelines, 2015. Collection method: not provided. Allele origin: germline. Inheritance: Autosomal recessive inheritance. Affected: yes.

PreventionGenetics, part of Exact Sciences
Classification: Likely benign for SLC33A1-related condition. Last evaluated: 2019-10-17. Review status: no assertion criteria provided. Collection method: clinical testing. Allele origin: germline. Not counted in ClinVar's aggregate classification.
Comment: This variant is classified as likely benign based on ACMG/AMP sequence variant interpretation guidelines (Richards et al. 2015 PMID: 25741868, with internal and published modifications).